The following is an entry in ClinVar:

ClinVar aggregate classification (germline): Uncertain significance. Review status: criteria provided, single submitter (1 of 4 stars). 2 submissions from 2 submitters: Uncertain significance (1). 1 of the submissions does not count toward it. Last evaluated 2024-05-05.

Conditions:
Tuberous sclerosis syndrome (TSC). Also called: Tuberous Sclerosis Complex; Tuberous sclerosis. Identifiers: Orphanet 805, MedGen C0041341, MONDO:0001734.
Tuberous sclerosis 2 (TSC2). Identifiers: Orphanet 805, MedGen C1860707, MONDO:0013199, OMIM 613254.

Submissions (2):

Labcorp Genetics (formerly Invitae), Labcorp
Classification: Uncertain significance for Tuberous sclerosis 2. Last evaluated: 2024-05-05. Review status: criteria provided, single submitter. Criteria: Invitae Variant Classification Sherloc (09022015). Collection method: clinical testing. Allele origin: germline.
Comment: This variant, c.2369_2371del, results in the deletion of 1 amino acid(s) of the TSC2 protein (p.Tyr790del), but otherwise preserves the integrity of the reading frame. This variant is not present in population databases (gnomAD no frequency). This variant has been observed in individual(s) with clinical features of tuberous sclerosis complex (Invitae). ClinVar contains an entry for this variant (Variation ID: 65308). Experimental studies and prediction algorithms are not available or were not evaluated, and the functional significance of this variant is currently unknown. In summary, the available evidence is currently insufficient to determine the role of this variant in disease. Therefore, it has been classified as a Variant of Uncertain Significance.

Tuberous sclerosis database (TSC2)
No classification provided. Condition: TSC. Review status: no classification provided. Criteria: Tuberous Sclerosis Database Assertion Criteria 2015. Collection method: curation. Allele origin: germline. Affected: yes. Not counted in ClinVar's aggregate classification.

NM_000548.5(TSC2):c.2369_2371del (p.Tyr790del)

Gene: TSC2 (TSC complex subunit 2; plus strand). Cytogenetic location: 16p13.3.
Variant type: Deletion.
Coding change: c.2369_2371del on transcript NM_000548.5 (MANE Select); coding-DNA positions 2369 to 2371, 3 bases deleted (ACT; older notation c.2369_2371delACT).
Protein change: p.Tyr790del; deletes tyrosine 790.
Molecular consequence: inframe deletion.
Genome position (GRCh38, 1-based): chr16:2,074,213-2,074,215, ACT deleted; deleting any 3 consecutive bases within chr16:2,074,211-2,074,215 gives the same sequence; the c. name uses the placement nearest the transcript's 3' end. VCF-style (leftmost placement, unchanged base first): chr16-2074210-TCTA-T. GRCh37 (hg19) VCF-style: chr16-2124211-TCTA-T.
Other names: c.2369_2371del, p.Tyr790del (NM_001077183.3, NM_001114382.3, NM_001363528.2 and 3 more transcripts); c.2258_2260del, p.Tyr753del (NM_001318827.2); c.2222_2224del, p.Tyr741del (NM_001318829.2); c.1769_1771del, p.Tyr590del (NM_001318831.2); c.2402_2404del, p.Tyr801del (NM_001318832.2); short protein forms Y790del, Y590del, Y741del, Y753del, Y801del.
Identifiers: ClinVar variation 65308 (VCV000065308.4), dbSNP rs397515224, ClinGen allele CA017292.